The following is an entry in ClinVar:

NM_000038.6(APC):c.6135del (p.Ala2046fs)

Gene: APC (APC regulator of Wnt signaling pathway; plus strand). Cytogenetic location: 5q22.2.
Variant type: Deletion.
Coding change: c.6135del on transcript NM_000038.6 (MANE Select); coding-DNA position 6135, one base deleted (C; older notation c.6135delC).
Protein change: p.Ala2046fs; shifts the reading frame from alanine 2046.
Molecular consequence: frameshift variant.
Genome position (GRCh38, 1-based): chr5:112,841,729, C deleted; the last of 2 consecutive C bases (chr5:112,841,728-112,841,729); deleting either gives the same sequence. VCF-style (leftmost placement, unchanged base first): chr5-112841727-TC-T. GRCh37 (hg19) VCF-style: chr5-112177424-TC-T.
Other names: c.6135del, p.Ala2046fs (NM_001127510.3, NM_001354895.2); c.6081del, p.Ala2028fs (NM_001127511.3); c.6189del, p.Ala2064fs (NM_001354896.2); c.6165del, p.Ala2056fs (NM_001354897.2); c.6060del, p.Ala2021fs (NM_001354898.2); c.6051del, p.Ala2018fs (NM_001354899.2); c.6012del, p.Ala2005fs (NM_001354900.2); c.5958del, p.Ala1987fs (NM_001354901.2); and 5 more; short protein forms A1945fs, A2021fs, A2046fs, A1763fs, A1920fs, A1955fs, A2028fs, A2056fs.
Identifiers: ClinVar variation 433673 (VCV000433673.2), dbSNP rs1554087239, ClinGen allele CA645372803.

ClinVar aggregate classification (germline): Pathogenic (0 of 4 stars; one submission).

Conditions:
Carcinoma of colon (CRC). Also called: Colon carcinoma; Colonic carcinoma. Identifiers: MedGen C0699790, MONDO:0002032.

Submission:

Department of Pathology and Laboratory Medicine, Sinai Health System
Classification: Pathogenic for Carcinoma of colon. Review status: no assertion criteria provided. Collection method: clinical testing. Allele origin: unknown. Affected: yes. Study: The Canadian Open Genetics Repository (COGR).
Comment: The APC p.Ala2046GlnfsX27 variant was not identified in dbSNP, Clinvitae database, COSMIC, Zhejiang Colon Cancer Database, ClinVar database, GeneInsight - COGR database, UMD, NHLBI GO Exome Sequencing Project and the Exome Aggregation Consortium database (August 8, 2016). The variant was identified only in InSiGHT Colon Cancer Gene Variant Database (LOVD) and classified as pathogenic. The c.6135delC variant is predicted to cause a frameshift, which alters the protein's amino acid sequence beginning at codon 2046 and leads to a premature stop codon 27 codons downstream. This alteration is then predicted to result in a truncated or absent protein and loss of function. Loss of function variants of the APC gene are an established mechanism of disease in familial adenomatous polyposis and is the type of variant expected to cause the disorder. In addition, one genotype-phenotype correlations study (Soravia 1998) identify the variant in the patient with very mild colonic phenotype, <40 polips, no CRC and rectal-polyp sparing. This variant of FAP has been termed â€šÃ„Ãºhereditary desmoid diseaseâ€šÃ„Ã¹ and had been classified as â€šÃ„Ãºfamilial infiltrative fibromatosisâ€šÃ„Ã¹. Therefore itâ€šÃ„Ã´s considered as an attenuated adenomatous polyposis coli (AAPC) variant with predominance of desmoid tumors. In summary, based on the above information, this variant meets our laboratoryâ€šÃ„Ã´s criteria to be classified as pathogenic.